The following is an entry in ClinVar:

NM_025137.4(SPG11):c.5189T>G (p.Phe1730Cys)

Gene: SPG11 (SPG11 vesicle trafficking associated, spatacsin; minus strand). Cytogenetic location: 15q21.1.
Variant type: single nucleotide variant.
Coding change: c.5189T>G on transcript NM_025137.4 (MANE Select); coding-DNA position 5189, T replaced by G.
Protein change: p.Phe1730Cys; replaces phenylalanine 1730 with cysteine.
Molecular consequence: missense variant.
Genome position (GRCh38, 1-based): chr15:44,584,491, A>C on the plus strand (T>G on the coding strand, the complement: SPG11 is on the minus strand). VCF-style: chr15-44584491-A-C. GRCh37 (hg19) VCF-style: chr15-44876689-A-C.
Other names: c.5189T>G, p.Phe1730Cys (NM_001160227.2); short protein forms F1730C.
Identifiers: ClinVar variation 1702761 (VCV001702761.2), dbSNP rs755382678, ClinGen allele CA7534457.

ClinVar aggregate classification (germline): Uncertain significance (1 of 4 stars; one submission).

Allele frequency attached by ClinVar (database versions not stated): ExAC 0.00001; gnomAD exomes 0.00001.
gnomAD v4.1: 7 of 1,614,142 alleles (0.00043%); highest among the groups gnomAD compares: Non-Finnish European, 0.00059%; no homozygotes.

Submission:

GeneDx
Classification: Uncertain significance. Last evaluated: 2022-02-16. Review status: criteria provided, single submitter. Criteria: GeneDx Variant Classification Process June 2021. Collection method: clinical testing. Allele origin: germline. Affected: yes.
Comment: Not observed at significant frequency in large population cohorts (gnomAD); In silico analysis supports that this missense variant has a deleterious effect on protein structure/function; Has not been previously published as pathogenic or benign to our knowledge